The following is an entry in ClinVar:

ClinVar aggregate classification (germline): Pathogenic/Likely pathogenic. Review status: criteria provided, multiple submitters, no conflicts (2 of 4 stars). 6 submissions from 6 submitters: Pathogenic (4); Likely pathogenic (1). 1 of the submissions does not count toward it. Last evaluated 2025-09-19.

Conditions:
Galactosylceramide beta-galactosidase deficiency. Also called: Krabbe Disease; GALACTOCEREBROSIDASE DEFICIENCY; GALC DEFICIENCY; GLOBOID CELL LEUKOENCEPHALOPATHY; Leukodystrophy, Globoid Cell. Identifiers: Orphanet 487, MedGen C0023521, MONDO:0009499, OMIM 245200.

Submissions (6):

Natera, Inc.
Classification: Pathogenic for Galactosylceramide beta-galactosidase deficiency. Last evaluated: 2025-09-19. Review status: criteria provided, single submitter. Criteria: Natera Variant Classification Schema (03/2026). Collection method: clinical testing. Allele origin: germline.
Comment: The c.1896_1900delCACGT variant in GALC is a frameshift variant predicted to shift the reading frame beginning at codon 633 and leads to a stop codon 3 codons downstream. This variant is expected to result in nonsense mediated decay, truncation, or a dysfunctional protein product. This variant is rare in the general population with a frequency below the threshold expected for the associated phenotype(s). This variant has been observed in one or more individuals affected with the associated recessive disease, as either homozygous or compound heterozygous with a second variant (PMID: 22704718). Given the available evidence, this variant is classified as Pathogenic.

Labcorp Genetics (formerly Invitae), Labcorp
Classification: Pathogenic for Galactosylceramide beta-galactosidase deficiency. Last evaluated: 2023-02-04. Review status: criteria provided, single submitter. Criteria: Invitae Variant Classification Sherloc (09022015). Collection method: clinical testing. Allele origin: germline.
Comment: For these reasons, this variant has been classified as Pathogenic. This variant disrupts a region of the GALC protein in which other variant(s) (p.Leu634Ser) have been determined to be pathogenic (PMID: 9272171, 16607461, 24252386, 26865610, 27679535, 27780934). This suggests that this is a clinically significant region of the protein, and that variants that disrupt it are likely to be disease-causing. Experimental studies have shown that this premature translational stop signal affects GALC function (PMID: 27638593). Algorithms developed to predict the effect of variants on protein structure and function are not available or were not evaluated for this variant. ClinVar contains an entry for this variant (Variation ID: 555939). This variant is also known as c.1848_1852del. This premature translational stop signal has been observed in individual(s) with Krabbe disease (PMID: 21824559). This variant is present in population databases (rs749708827, gnomAD 0.0009%). This sequence change creates a premature translational stop signal (p.Thr633Asnfs*3) in the GALC gene. While this is not anticipated to result in nonsense mediated decay, it is expected to disrupt the last 53 amino acid(s) of the GALC protein.

Molecular Genetics, Royal Melbourne Hospital
Classification: Likely pathogenic for Galactosylceramide beta-galactosidase deficiency. Last evaluated: 2021-12-02. Review status: criteria provided, single submitter. Criteria: ACMG Guidelines, 2015. Collection method: clinical testing. Allele origin: germline. Affected: yes.
Comment: This sequence change in GALC is a frameshift variant that may cause a premature stop codon, p.(Thr633Asnfs*3), that is predicted to escape nonsense mediated decay and remove <10% of the protein, however it is a truncation of a functionally important region in a gene where loss-of-function is an established disease mechanism (PMID: 27638593). This variant is present in a single individual in gnomAD v2.1 (1/112,760 alleles) in the European (non-Finnish) population. This variant has been detected in at least two individuals with Krabbe disease and deficient GALC activity. Both were compound heterozygous for the variant and a pathogenic variant and one of those were confirmed in trans by parental testing (PMID: 21824559, 22704718). RMH ACMG Guidelines v1.5.1, this variant is classified as LIKELY PATHOGENIC. Following criteria are met: PVS1_Strong, PM3, PM2_Supporting, PP4.

Women's Health and Genetics/Laboratory Corporation of America, LabCorp
Classification: Pathogenic for Galactosylceramide beta-galactosidase deficiency. Last evaluated: 2020-08-17. Review status: criteria provided, single submitter. Criteria: LabCorp Variant Classification Summary - May 2015. Collection method: clinical testing. Allele origin: germline.
Comment: Variant summary: GALC c.1896_1900delCACGT (p.Thr633AsnfsX3) results in a premature termination codon, predicted to cause a truncation of the encoded protein. Truncations downstream of this position have been classified as pathogenic by our laboratory. The variant allele was found at a frequency of 4e-06 in 248814 control chromosomes. c.1896_1900delCACGT has been reported in the literature in individuals affected with Krabbe Disease (Duffner_2011, Tanner_2012). These data indicate that the variant may be associated with disease. At least one publication reported experimental evidence evaluating an impact on protein function, and demonstrated almost complete loss of activity for the truncated protein (Saavedra-Matiz_2016). One clinical diagnostic laboratory has submitted clinical-significance assessments for this variant to ClinVar after 2014 without evidence for independent evaluation, and classified the variant as likely pathogenic. Based on the evidence outlined above, the variant was classified as pathogenic.

GeneDx
Classification: Pathogenic. Last evaluated: 2019-07-26. Review status: criteria provided, single submitter. Criteria: GeneDx Variant Classification Process June 2021. Collection method: clinical testing. Allele origin: germline. Affected: yes.
Comment: Frameshift variant in the C-terminus predicted to result in protein truncation, as the last 53 amino acids are lost and replaced with 2 incorrect amino acids (Stenson et al., 2014; other references); Not observed at a significant frequency in large population cohorts (Lek et al., 2016); This variant is associated with the following publications: (PMID: 22704718, 27638593, 21824559)

Counsyl
Classification: Likely pathogenic for Galactosylceramide beta-galactosidase deficiency. Last evaluated: 2018-01-04. Review status: no assertion criteria provided. Collection method: clinical testing. Allele origin: unknown. Not counted in ClinVar's aggregate classification.

Literature cited by the submitters: PubMed 22704718 (cited by 4 submitters); PubMed 9272171 (cited by Labcorp Genetics (formerly Invitae), Labcorp); PubMed 16607461 (cited by Labcorp Genetics (formerly Invitae), Labcorp); PubMed 24252386 (cited by Labcorp Genetics (formerly Invitae), Labcorp); PubMed 26865610 (cited by Labcorp Genetics (formerly Invitae), Labcorp); PubMed 27679535 (cited by Labcorp Genetics (formerly Invitae), Labcorp); PubMed 27780934 (cited by Labcorp Genetics (formerly Invitae), Labcorp); PubMed 27638593 (cited by 4 submitters); PubMed 21824559 (cited by 4 submitters).

NM_000153.4(GALC):c.1896_1900del (p.Thr633fs)

Gene: GALC (galactosylceramidase; minus strand). Cytogenetic location: 14q31.3.
Variant type: Deletion.
Coding change: c.1896_1900del on transcript NM_000153.4 (MANE Select); coding-DNA positions 1896 to 1900, 5 bases deleted (CACGT; older notation c.1896_1900delCACGT).
Protein change: p.Thr633fs; shifts the reading frame from threonine 633.
Molecular consequence: frameshift variant.
Genome position (GRCh38, 1-based): chr14:87,939,916-87,939,920, ACGTG deleted on the plus strand (CACGT on the coding strand, the reverse complement: GALC is on the minus strand); deleting any 5 consecutive bases within chr14:87,939,916-87,939,921 gives the same sequence; the c. name uses the placement nearest the transcript's 3' end. VCF-style (leftmost placement, unchanged base first): chr14-87939915-AACGTG-A. GRCh37 (hg19) VCF-style: chr14-88406259-AACGTG-A.
Other names: c.1827_1831del, p.Thr610fs (NM_001201401.2); c.1818_1822del, p.Thr607fs (NM_001201402.2); c.1896_1900delCACGT (NM_000153.4, NM_000153.3); short protein forms T610fs, T607fs, T633fs.
Identifiers: ClinVar variation 555939 (VCV000555939.14), dbSNP rs749708827, ClinGen allele CA7296878.